The following is an entry in ClinVar:

NM_001204.7(BMPR2):c.1564T>C (p.Ser522Pro)

Gene: BMPR2 (bone morphogenetic protein receptor type 2; plus strand). Cytogenetic location: 2q33.2.
Variant type: single nucleotide variant.
Coding change: c.1564T>C on transcript NM_001204.7 (MANE Select); coding-DNA position 1564, T replaced by C.
Protein change: p.Ser522Pro; replaces serine 522 with proline.
Molecular consequence: missense variant.
Genome position (GRCh38, 1-based): chr2:202,552,866, T>C. VCF-style: chr2-202552866-T-C. GRCh37 (hg19) VCF-style: chr2-203417589-T-C.
Other names: short protein forms S522P.
Identifiers: ClinVar variation 4867579 (VCV004867579.1).

ClinVar aggregate classification (germline): Uncertain significance (1 of 4 stars; one submission).

Conditions:
Inborn genetic diseases. Identifiers: MedGen C0950123, MeSH D030342.

Submission:

Ambry Genetics
Classification: Uncertain significance for Inborn genetic diseases. Last evaluated: 2026-03-20. Review status: criteria provided, single submitter. Criteria: Ambry Variant Classification Scheme 2023. Collection method: clinical testing. Allele origin: germline.
Comment: The p.S522P variant (also known as c.1564T>C), located in coding exon 11 of the BMPR2 gene, results from a T to C substitution at nucleotide position 1564. The serine at codon 522 is replaced by proline, an amino acid with similar properties. This amino acid position is conserved. In addition, the in silico prediction for this alteration is inconclusive. Based on the available evidence, the clinical significance of this variant remains unclear.